The following is an entry in ClinVar:

ClinVar aggregate classification (germline): Conflicting classifications of pathogenicity. Review status: criteria provided, conflicting classifications (1 of 4 stars). 6 submissions from 6 submitters: Uncertain significance (2); Likely benign (1). 3 of the submissions do not count toward it. Last evaluated 2026-02-04.

Conditions:
Bardet-Biedl syndrome (BBS). Identifiers: Orphanet 110, MedGen C0752166, MONDO:0015229.
Bardet-Biedl syndrome 1 (BBS1). Identifiers: MedGen C2936862, MONDO:0008854, OMIM 209900. Disease mechanism: loss of function.
BBS1-related disorder. Also called: BBS1-related condition.

Allele frequency attached by ClinVar (database versions not stated): gnomAD 0.00004 and 0.00003; TOPMed 0.00005; ExAC 0.00012; gnomAD exomes 0.00017 and 0.00002.
gnomAD v4.1: 30 of 1,614,010 alleles (0.0019%); highest among the groups gnomAD compares: East Asian, 0.067%; no homozygotes.

Submissions (6):

Labcorp Genetics (formerly Invitae), Labcorp
Classification: Likely benign for Bardet-Biedl syndrome. Last evaluated: 2026-02-04. Review status: criteria provided, single submitter. Criteria: Invitae Variant Classification Sherloc (09022015). Collection method: clinical testing. Allele origin: germline.

Fulgent Genetics
Classification: Uncertain significance for Bardet-Biedl syndrome 1. Last evaluated: 2024-04-24. Review status: criteria provided, single submitter. Criteria: ACMG Guidelines, 2015. Collection method: clinical testing. Allele origin: germline.

Blueprint Genetics
Classification: Uncertain significance. Last evaluated: 2021-11-26. Review status: criteria provided, single submitter. Criteria: ACMG Guidelines, 2015. Collection method: clinical testing. Allele origin: germline.

PreventionGenetics, part of Exact Sciences
Classification: Uncertain significance for BBS1-related condition. Last evaluated: 2024-05-22. Review status: no assertion criteria provided. Collection method: clinical testing. Allele origin: germline. Not counted in ClinVar's aggregate classification.
Comment: The BBS1 c.840G>C variant is predicted to result in the amino acid substitution p.Lys280Asn. To our knowledge, this variant has not been reported in the literature. This variant is reported in 0.24% of alleles in individuals of East Asian descent in gnomAD. Although we suspect that this variant may be benign, at this time, the clinical significance of this variant is uncertain due to the absence of conclusive functional and genetic evidence.

Natera, Inc.
Classification: Likely benign for Bardet-Biedl syndrome type 1. Last evaluated: 2020-02-27. Review status: no assertion criteria provided. Collection method: clinical testing. Allele origin: germline. Not counted in ClinVar's aggregate classification.

Department of Pathology and Laboratory Medicine, Sinai Health System
Classification: Uncertain significance. Review status: no assertion criteria provided. Collection method: clinical testing. Allele origin: unknown. Affected: yes. Study: The Canadian Open Genetics Repository (COGR). Not counted in ClinVar's aggregate classification.
Comment: The BBS1 p.Lys280Asn variant was not identified in the literature nor was it identified in ClinVar, Cosmic or LOVD 3.0. The variant was identified in dbSNP (ID: rs780169168) and in control databases in 48 of 282862 chromosomes at a frequency of 0.00017 (Genome Aggregation Database Feb 27, 2017). The variant was observed in the following populations: East Asian in 47 of 19952 chromosomes (freq: 0.002356) and Other in 1 of 7228 chromosomes (freq: 0.000138), but was not observed in the African, Latino, Ashkenazi Jewish, European (Finnish), European (non-Finnish) or South Asian populations. The p.Lys280 residue is conserved in mammals but not in more distantly related organisms however four out of five computational analyses (PolyPhen-2, SIFT, AlignGVGD, BLOSUM, MutationTaster) do not suggest a high likelihood of impact to the protein; this information is not predictive enough to rule out pathogenicity. The variant occurs outside of the splicing consensus sequence and three of four in silico or computational prediction software programs (SpliceSiteFinder, MaxEntScan, NNSPLICE, GeneSplicer) do not predict a difference in splicing. In summary, based on the above information the clinical significance of this variant cannot be determined with certainty at this time. This variant is classified as a variant of uncertain significance.

NM_024649.5(BBS1):c.840G>C (p.Lys280Asn)

Genes: BBS1 (Bardet-Biedl syndrome 1; plus strand), ZDHHC24 (zDHHC palmitoyltransferase 24; minus strand). Cytogenetic location: 11q13.2.
Variant type: single nucleotide variant.
Coding change: c.840G>C on transcript NM_024649.5 (MANE Select); coding-DNA position 840, G replaced by C.
Protein change: p.Lys280Asn; replaces lysine 280 with asparagine.
Molecular consequence: missense variant. On other transcripts: intron variant (1).
Genome position (GRCh38, 1-based): chr11:66,523,465, G>C. VCF-style: chr11-66523465-G-C. GRCh37 (hg19) VCF-style: chr11-66290936-G-C.
Other names: c.*22-1999C>G (NM_001348571.2); short protein forms K280N.
Identifiers: ClinVar variation 695276 (VCV000695276.16), dbSNP rs780169168, ClinGen allele CA6123532.
Genomic context (GRCh38, chr11:66,523,465, plus strand): 5'-GAAGTGGAGAGGATTTCTCTGGGGCCAGACAGTGTGTTGTTTATTCCACAGAGACTCCAA[G>C]CACCCCAAGTACTGCATCGAGCTGAGCGCCCAGCCTGTGGGACTTATCCGGGTACACAAG-3'
Protein context (NP_078925.3, residues 270-290): GNIYILRRDS[Lys280Asn]HPKYCIELSA